The following is an entry in ClinVar:

NM_001127222.2(CACNA1A):c.1913+8C>T

Gene: CACNA1A (calcium voltage-gated channel subunit alpha1 A; minus strand). Cytogenetic location: 19p13.13.
Variant type: single nucleotide variant.
Coding change: c.1913+8C>T on transcript NM_001127222.2 (MANE Select); 8 bases into the intron after coding-DNA position 1913, C replaced by T.
Molecular consequence: intron variant.
Genome position (GRCh38, 1-based): chr19:13,308,112, G>A on the plus strand (C>T on the coding strand, the complement: CACNA1A is on the minus strand). VCF-style: chr19-13308112-G-A. GRCh37 (hg19) VCF-style: chr19-13418926-G-A.
Other names: c.1916+8C>T (NM_001127221.2, NM_001174080.2, NM_000068.4 and 1 more transcripts); c.1913+8C>T (NM_001127222.1).
Identifiers: ClinVar variation 1549271 (VCV001549271.10), dbSNP rs770833278, ClinGen allele CA9240702.

ClinVar aggregate classification (germline): Likely benign. Review status: criteria provided, single submitter (1 of 4 stars). 2 submissions from 2 submitters: Likely benign (1). 1 of the submissions does not count toward it. Last evaluated 2024-02-26.

Conditions:
Developmental and epileptic encephalopathy, 42 (DEE42A). Also called: Epileptic encephalopathy, early infantile, 42; DEVELOPMENTAL AND EPILEPTIC ENCEPHALOPATHY 42A; EPILEPTIC ENCEPHALOPATHY, EARLY INFANTILE, 42A. Identifiers: MedGen C4310716, MONDO:0014917, OMIM 617106.
Episodic ataxia type 2 (EA2). Also called: ATAXIA, FAMILIAL PAROXYSMAL; ATAXIA, EPISODIC, WITH NYSTAGMUS; CEREBELLAR ATAXIA, PAROXYSMAL, ACETAZOLAMIDE-RESPONSIVE; CEREBELLOPATHY, HEREDITARY PAROXYSMAL; EPISODIC ATAXIA, NYSTAGMUS-ASSOCIATED; ACETAZOLAMIDE-RESPONSIVE HEREDITARY PAROXYSMAL CEREBELLAR ATAXIA. Identifiers: Orphanet 97, MedGen C1720416, MONDO:0007163, OMIM 108500.
CACNA1A-related disorder. Also called: CACNA1A-related condition.

Allele frequency attached by ClinVar (database versions not stated): gnomAD exomes below 0.00001; ExAC 0.00001; gnomAD 0.00001; TOPMed 0.00001.
gnomAD v4.1: 5 of 1,613,712 alleles (0.00031%); highest among the groups gnomAD compares: East Asian, 0.0022%; no homozygotes.

Submissions (2):

Labcorp Genetics (formerly Invitae), Labcorp
Classification: Likely benign for Developmental and epileptic encephalopathy, 42; Episodic ataxia type 2. Last evaluated: 2024-02-26. Review status: criteria provided, single submitter. Criteria: Invitae Variant Classification Sherloc (09022015). Collection method: clinical testing. Allele origin: germline.

PreventionGenetics, part of Exact Sciences
Classification: Likely benign for CACNA1A-related condition. Last evaluated: 2019-10-04. Review status: no assertion criteria provided. Collection method: clinical testing. Allele origin: germline. Not counted in ClinVar's aggregate classification.
Comment: This variant is classified as likely benign based on ACMG/AMP sequence variant interpretation guidelines (Richards et al. 2015 PMID: 25741868, with internal and published modifications).